The following is an entry in ClinVar:

NM_004370.6(COL12A1):c.5458A>G (p.Thr1820Ala)

Gene: COL12A1 (collagen type XII alpha 1 chain; minus strand). Cytogenetic location: 6q13.
Variant type: single nucleotide variant.
Coding change: c.5458A>G on transcript NM_004370.6 (MANE Select); coding-DNA position 5458, A replaced by G.
Protein change: p.Thr1820Ala; replaces threonine 1820 with alanine.
Molecular consequence: missense variant.
Genome position (GRCh38, 1-based): chr6:75,134,792, T>C on the plus strand (A>G on the coding strand, the complement: COL12A1 is on the minus strand). VCF-style: chr6-75134792-T-C. GRCh37 (hg19) VCF-style: chr6-75844508-T-C.
Other names: p.Thr1820Ala; c.1966A>G, p.Thr656Ala (NM_080645.3); short protein forms T1820A, T656A.
Identifiers: ClinVar variation 642585 (VCV000642585.12), dbSNP rs1461567926, ClinGen allele CA364736293.

ClinVar aggregate classification (germline): Uncertain significance. Review status: criteria provided, multiple submitters, no conflicts (2 of 4 stars). 2 submissions from 2 submitters: Uncertain significance (2). Last evaluated 2025-12-03.

Conditions:
Ullrich congenital muscular dystrophy 2 (UCMD2). Identifiers: Orphanet 75840, MedGen C4225314, MONDO:0014654, OMIM 616470.
Bethlem myopathy 2 (BTHLM2). Identifiers: Orphanet 536516, Orphanet 610, MedGen C4225313, MONDO:0034022, OMIM 616471.

Allele frequency attached by ClinVar (database versions not stated): TOPMed 0.00002; gnomAD exomes below 0.00001; gnomAD 0.00001.
gnomAD v4.1: 4 of 1,613,320 alleles (0.00025%); highest among the groups gnomAD compares: African/African-American, 0.0013%; no homozygotes.

Submissions (2):

Labcorp Genetics (formerly Invitae), Labcorp
Classification: Uncertain significance for Bethlem myopathy 2; Ullrich congenital muscular dystrophy 2. Last evaluated: 2025-12-03. Review status: criteria provided, single submitter. Criteria: Invitae Variant Classification Sherloc (09022015). Collection method: clinical testing. Allele origin: germline.
Comment: This sequence change replaces threonine, which is neutral and polar, with alanine, which is neutral and non-polar, at codon 1820 of the COL12A1 protein (p.Thr1820Ala). This variant is present in population databases (no rsID available, gnomAD 0.0009%). This variant has not been reported in the literature in individuals affected with COL12A1-related conditions. ClinVar contains an entry for this variant (Variation ID: 642585). Invitae Evidence Modeling of protein sequence and biophysical properties (such as structural, functional, and spatial information, amino acid conservation, physicochemical variation, residue mobility, and thermodynamic stability) indicates that this missense variant is not expected to disrupt COL12A1 protein function with a negative predictive value of 80%. In summary, the available evidence is currently insufficient to determine the role of this variant in disease. Therefore, it has been classified as a Variant of Uncertain Significance.

Mayo Clinic Laboratories, Mayo Clinic
Classification: Uncertain significance. Last evaluated: 2024-07-22. Review status: criteria provided, single submitter. Criteria: ACMG Guidelines, 2015. Collection method: clinical testing. Allele origin: germline. Observed: 1 variant allele.
Comment: BP4_moderate